The following is an entry in ClinVar:

ClinVar aggregate classification (germline): Likely benign (1 of 4 stars; one submission).

Allele frequency attached by ClinVar (database versions not stated): gnomAD below 0.00001 and 0.00001; gnomAD exomes below 0.00001; ExAC 0.00001.
gnomAD v4.1: 5 of 1,613,110 alleles (0.00031%); highest among the groups gnomAD compares: South Asian, 0.0011%; no homozygotes.

Submission:

GeneDx
Classification: Likely benign. Last evaluated: 2016-10-06. Review status: criteria provided, single submitter. Criteria: GeneDx Variant Classification (06012015). Collection method: clinical testing. Allele origin: germline. Affected: yes.
Comment: This variant is considered likely benign or benign based on one or more of the following criteria: it is a conservative change, it occurs at a poorly conserved position in the protein, it is predicted to be benign by multiple in silico algorithms, and/or has population frequency not consistent with disease.

NM_006567.5(FARS2):c.1059G>A (p.Lys353=)

Gene: FARS2 (phenylalanyl-tRNA synthetase 2, mitochondrial; plus strand). Cytogenetic location: 6p25.1.
Variant type: single nucleotide variant.
Coding change: c.1059G>A on transcript NM_006567.5 (MANE Select); coding-DNA position 1059, G replaced by A.
Protein change: p.Lys353=; no amino-acid change (lysine 353 retained).
Molecular consequence: synonymous variant.
Genome position (GRCh38, 1-based): chr6:5,545,334, G>A. VCF-style: chr6-5545334-G-A. GRCh37 (hg19) VCF-style: chr6-5545567-G-A.
Other names: c.1059G>A, p.Lys353= (NM_001318872.2, NM_001374875.1, NM_001374876.1 and 4 more transcripts); c.927G>A, p.Lys309= (NM_001375258.1); c.363G>A, p.Lys121= (NM_001375259.1, NM_001375260.1).
Identifiers: ClinVar variation 389589 (VCV000389589.1), dbSNP rs768080529, ClinGen allele CA3623860.